The following is an entry in ClinVar:

ClinVar aggregate classification (germline): Conflicting classifications of pathogenicity. Review status: criteria provided, conflicting classifications (1 of 4 stars). 2 submissions from 2 submitters: Likely pathogenic (1); Uncertain significance (1). Last evaluated 2025-04-14.

Conditions:
Leukoencephalopathy with brain stem and spinal cord involvement-high lactate syndrome (LBSL). Also called: MITOCHONDRIAL ASPARTYL-tRNA SYNTHETASE DEFICIENCY; Leukoencephalopathy with Brainstem and Spinal Cord Involvement and Lactate Elevation; LEUKOENCEPHALOPATHY WITH BRAINSTEM AND SPINAL CORD INVOLVEMENT AND LACTATE ELEVATION, MILD. Identifiers: Orphanet 137898, MedGen C1970180, MONDO:0012622, OMIM 611105.

Allele frequency attached by ClinVar (database versions not stated): gnomAD exomes below 0.00001.
gnomAD v4.1: 1 of 1,613,798 alleles (0.000062%); highest among the groups gnomAD compares: Non-Finnish European, 0.000085%; no homozygotes.

Submissions (2):

GeneDx
Classification: Likely pathogenic. Last evaluated: 2025-04-14. Review status: criteria provided, single submitter. Criteria: GeneDx Variant Classification Process June 2021. Collection method: clinical testing. Allele origin: germline.
Comment: Not observed at significant frequency in large population cohorts (gnomAD); In silico analysis supports that this missense variant has a deleterious effect on protein structure/function; This variant is associated with the following publications: (PMID: 33977142)

Broad Center for Mendelian Genomics, Broad Institute of MIT and Harvard
Classification: Uncertain significance for Leukoencephalopathy with brain stem and spinal cord involvement-high lactate syndrome. Last evaluated: 2025-01-16. Review status: criteria provided, single submitter. Criteria: ACMG Guidelines, 2015. Collection method: curation. Allele origin: germline. Inheritance: Mitochondrial inheritance.
Comment: The p.Gly128Arg variant in DARS2 has been reported in 1 individual with leukoencephalopathy with brain stem and spinal cord involvement-high lactate syndrome (PMID: 33977142), and has been identified in 0.00008% (1/1179728) of European (non-Finnish) chromosomes by the Genome Aggregation Database (gnomAD). Although this variant has been seen in the general population in a heterozygous state, its frequency is low enough to be consistent with a recessive carrier frequency. This variant has also been reported in ClinVar (Variation ID: 2663596) and has been interpreted as likely pathogenic by GeneDx. Computational prediction tools and conservation analyses do not provide strong support for or against an impact to the protein. In summary, the clinical significance of the p.Gly128Arg variant is uncertain. ACMG/AMP Criteria applied: PM2_supporting (Richards 2015).

NM_018122.5(DARS2):c.382G>C (p.Gly128Arg)

Gene: DARS2 (aspartyl-tRNA synthetase 2, mitochondrial; plus strand). Cytogenetic location: 1q25.1.
Variant type: single nucleotide variant.
Coding change: c.382G>C on transcript NM_018122.5 (MANE Select); coding-DNA position 382, G replaced by C.
Protein change: p.Gly128Arg; replaces glycine 128 with arginine.
Molecular consequence: missense variant.
Genome position (GRCh38, 1-based): chr1:173,830,747, G>C. VCF-style: chr1-173830747-G-C. GRCh37 (hg19) VCF-style: chr1-173799885-G-C.
Other names: NM_018122.5(DARS2):c.382G>C; p.Gly128Arg; c.382G>C, p.Gly128Arg (NM_001365212.1, NM_001365213.2); short protein forms G128R.
Identifiers: ClinVar variation 2663596 (VCV002663596.3), dbSNP rs2525846742, ClinGen allele CA343758682.
Genomic context (GRCh38, chr1:173,830,747, plus strand): 5'-TGTGAAGCCCCTGTGGAATCTGTGGTGCAAGTGTCTGGTACAGTCATTTCCCGTCCTGCA[G>C]GACAAGAGAATCCAGTAGGTAGTTTCGAAGATATCTGTGTAATTTTTGCTTGTATGCATT-3'
Protein context (NP_060592.2, residues 118-138): VSGTVISRPA[Gly128Arg]QENPKMPTGE